The following is an entry in ClinVar:

ClinVar aggregate classification (germline): Uncertain significance. Review status: criteria provided, multiple submitters, no conflicts (2 of 4 stars). 2 submissions from 2 submitters: Uncertain significance (2). Last evaluated 2025-08-06.

Conditions:
Hereditary cancer-predisposing syndrome. Also called: Hereditary Cancer Syndrome; Tumor predisposition; Hereditary neoplastic syndrome; Neoplastic Syndromes, Hereditary. Identifiers: Orphanet 140162, MedGen C0027672, MeSH D009386, MONDO:0015356.
Familial adenomatous polyposis 1 (FAP1). Also called: FAMILIAL ADENOMATOUS POLYPOSIS 1, ATTENUATED; POLYPOSIS, ADENOMATOUS INTESTINAL. Identifiers: MedGen C2713442, MONDO:0021056, OMIM 175100. Disease mechanism: loss of function.

Submissions (2):

Labcorp Genetics (formerly Invitae), Labcorp
Classification: Uncertain significance for Familial adenomatous polyposis 1. Last evaluated: 2025-08-06. Review status: criteria provided, single submitter. Criteria: Invitae Variant Classification Sherloc (09022015). Collection method: clinical testing. Allele origin: germline.
Comment: This sequence change replaces threonine, which is neutral and polar, with asparagine, which is neutral and polar, at codon 2679 of the APC protein (p.Thr2679Asn). This variant is not present in population databases (gnomAD no frequency). This variant has not been reported in the literature in individuals affected with APC-related conditions. ClinVar contains an entry for this variant (Variation ID: 1040318). Invitae Evidence Modeling of protein sequence and biophysical properties (such as structural, functional, and spatial information, amino acid conservation, physicochemical variation, residue mobility, and thermodynamic stability) indicates that this missense variant is not expected to disrupt APC protein function with a negative predictive value of 95%. In summary, the available evidence is currently insufficient to determine the role of this variant in disease. Therefore, it has been classified as a Variant of Uncertain Significance.

Ambry Genetics
Classification: Uncertain significance for Hereditary cancer-predisposing syndrome. Last evaluated: 2022-10-30. Review status: criteria provided, single submitter. Criteria: Ambry Variant Classification Scheme 2023. Collection method: clinical testing. Allele origin: germline.
Comment: The p.T2679N variant (also known as c.8036C>A), located in coding exon 15 of the APC gene, results from a C to A substitution at nucleotide position 8036. The threonine at codon 2679 is replaced by asparagine, an amino acid with similar properties. This amino acid position is conserved. In addition, in silico predictors for this gene do not accurately predict pathogenicity. Since supporting evidence is limited at this time, the clinical significance of this alteration remains unclear.

NM_000038.6(APC):c.8036C>A (p.Thr2679Asn)

Gene: APC (APC regulator of Wnt signaling pathway; plus strand). Cytogenetic location: 5q22.2.
Variant type: single nucleotide variant.
Coding change: c.8036C>A on transcript NM_000038.6 (MANE Select); coding-DNA position 8036, C replaced by A.
Protein change: p.Thr2679Asn; replaces threonine 2679 with asparagine.
Molecular consequence: missense variant.
Genome position (GRCh38, 1-based): chr5:112,843,630, C>A. VCF-style: chr5-112843630-C-A. GRCh37 (hg19) VCF-style: chr5-112179327-C-A.
Other names: c.8036C>A, p.Thr2679Asn (NM_001127510.3, NM_001354895.2); c.7982C>A, p.Thr2661Asn (NM_001127511.3); c.8090C>A, p.Thr2697Asn (NM_001354896.2); c.8066C>A, p.Thr2689Asn (NM_001354897.2); c.7961C>A, p.Thr2654Asn (NM_001354898.2); c.7952C>A, p.Thr2651Asn (NM_001354899.2); c.7913C>A, p.Thr2638Asn (NM_001354900.2); c.7859C>A, p.Thr2620Asn (NM_001354901.2); and 5 more; short protein forms T2396N, T2588N, T2661N, T2689N, T2519N, T2553N, T2578N, T2651N.
Identifiers: ClinVar variation 1040318 (VCV001040318.12), dbSNP rs752887834, ClinGen allele CA16038782.